The following is an entry in ClinVar:

ClinVar aggregate classification (germline): Likely pathogenic (1 of 4 stars; one submission).

Submission:

Labcorp Genetics (formerly Invitae), Labcorp
Classification: Likely pathogenic. Last evaluated: 2021-09-08. Review status: criteria provided, single submitter. Criteria: Invitae Variant Classification Sherloc (09022015). Collection method: clinical testing. Allele origin: germline.
Comment: In summary, the currently available evidence indicates that the variant is pathogenic, but additional data are needed to prove that conclusively. Therefore, this variant has been classified as Likely Pathogenic. This sequence change affects an acceptor splice site in intron 12 of the HPS3 gene. It is expected to disrupt RNA splicing. Variants that disrupt the donor or acceptor splice site typically lead to a loss of protein function (PMID: 16199547), and loss-of-function variants in HPS3 are known to be pathogenic (PMID: 11590544). This variant is not present in population databases (ExAC no frequency). This variant has not been reported in the literature in individuals affected with HPS3-related conditions. Algorithms developed to predict the effect of sequence changes on RNA splicing suggest that this variant may disrupt the consensus splice site.

Literature cited by the submitters: PubMed 16199547; PubMed 11590544.

NM_032383.5(HPS3):c.2293-1G>A

Genes: CP (ceruloplasmin; minus strand), HPS3 (HPS3 biogenesis of lysosomal organelles complex 2 subunit 1; plus strand). Cytogenetic location: 3q24.
Variant type: single nucleotide variant.
Coding change: c.2293-1G>A on transcript NM_032383.5 (MANE Select); the canonical splice acceptor site of the intron before coding-DNA position 2293, G replaced by A.
Molecular consequence: splice acceptor variant. On other transcripts: non-coding transcript variant (1).
Genome position (GRCh38, 1-based): chr3:149,162,689, G>A. VCF-style: chr3-149162689-G-A. GRCh37 (hg19) VCF-style: chr3-148880476-G-A.
Other names: c.1798-1G>A (NM_001308258.2).
Identifiers: ClinVar variation 1478743 (VCV001478743.6), dbSNP rs2108170158, ClinGen allele CA354924234.